The following is an entry in ClinVar:

ClinVar aggregate classification (germline): Benign. Review status: criteria provided, multiple submitters, no conflicts (2 of 4 stars). 3 submissions from 3 submitters: Benign (2). 1 of the submissions does not count toward it. Last evaluated 2018-06-16.

Allele frequency attached by ClinVar (database versions not stated): 1000 Genomes Project 30x 0.80044; 1000 Genomes Project 0.80651; ESP Exome Variant Server 0.89119.
gnomAD v4.1: 1,217,380 of 1,512,548 alleles (80%); highest among the groups gnomAD compares: African/African-American, 90%; 492,809 homozygotes.

Submissions (3):

GeneDx
Classification: Benign. Last evaluated: 2018-06-16. Review status: criteria provided, single submitter. Criteria: GeneDx Variant Classification (06012015). Collection method: clinical testing. Allele origin: germline. Affected: yes.
Comment: This variant is considered likely benign or benign based on one or more of the following criteria: it is a conservative change, it occurs at a poorly conserved position in the protein, it is predicted to be benign by multiple in silico algorithms, and/or has population frequency not consistent with disease.

Breakthrough Genomics
Classification: Benign. Review status: criteria provided, single submitter. Criteria: ACMG Guidelines, 2015. Collection method: not provided. Allele origin: germline. Inheritance: Autosomal recessive inheritance. Affected: yes.

Genetic Services Laboratory, University of Chicago
Classification: Likely benign. Review status: no assertion criteria provided. Collection method: clinical testing. Allele origin: germline. Inheritance: Autosomal recessive inheritance. Not counted in ClinVar's aggregate classification.
Comment: Likely benign based on allele frequency in 1000 Genomes Project or ESP global frequency and its presence in a patient with a rare or unrelated disease phenotype. NOT Sanger confirmed

NM_006031.6(PCNT):c.2610-50T>A

Gene: PCNT (pericentrin; plus strand). Cytogenetic location: 21q22.3.
Variant type: single nucleotide variant.
Coding change: c.2610-50T>A on transcript NM_006031.6 (MANE Select); 50 bases into the intron before coding-DNA position 2610, T replaced by A.
Molecular consequence: intron variant.
Genome position (GRCh38, 1-based): chr21:46,366,534, T>A. VCF-style: chr21-46366534-T-A. GRCh37 (hg19) VCF-style: chr21-47786449-T-A.
Other names: c.2256-50T>A (NM_001315529.2).
Identifiers: ClinVar variation 159573 (VCV000159573.7), dbSNP rs9637173, ClinGen allele CA172983.
Genomic context (GRCh38, chr21:46,366,534, plus strand): 5'-GACCTGAACAGTTGAAGTGGCATTTCCTGTGGGAAACTGACTTGGCTTTTGCAAGGGTCA[T>A]TGCTTCCTGATGCATGTTTAACTGTCCTGTGTTCACTTTGTTGCCGCAGGTTTTTAGAGG-3'